The following is an entry in ClinVar:

ClinVar aggregate classification (germline): Uncertain significance (1 of 4 stars; one submission).

Conditions:
Hereditary cancer-predisposing syndrome. Also called: Neoplastic Syndromes, Hereditary; Tumor predisposition; Hereditary Cancer Syndrome; Hereditary neoplastic syndrome. Identifiers: Orphanet 140162, MedGen C0027672, MeSH D009386, MONDO:0015356.

Submission:

Ambry Genetics
Classification: Uncertain significance for Hereditary cancer-predisposing syndrome. Last evaluated: 2026-04-12. Review status: criteria provided, single submitter. Criteria: Ambry Variant Classification Scheme 2023. Collection method: clinical testing. Allele origin: germline.
Comment: The p.K754I variant (also known as c.2261A>T), located in coding exon 11 of the BARD1 gene, results from an A to T substitution at nucleotide position 2261. The lysine at codon 754 is replaced by isoleucine, an amino acid with dissimilar properties. This amino acid position is conserved. In addition, the in silico prediction for this alteration is inconclusive. Based on the available evidence, the clinical significance of this variant remains unclear.

NM_000465.4(BARD1):c.2261A>T (p.Lys754Ile)

Gene: BARD1 (BRCA1 associated RING domain 1; minus strand). Cytogenetic location: 2q35.
Variant type: single nucleotide variant.
Coding change: c.2261A>T on transcript NM_000465.4 (MANE Select); coding-DNA position 2261, A replaced by T.
Protein change: p.Lys754Ile; replaces lysine 754 with isoleucine.
Molecular consequence: missense variant. On other transcripts: non-coding transcript variant (3).
Genome position (GRCh38, 1-based): chr2:214,728,749, T>A on the plus strand (A>T on the coding strand, the complement: BARD1 is on the minus strand). VCF-style: chr2-214728749-T-A. GRCh37 (hg19) VCF-style: chr2-215593473-T-A.
Other names: c.2204A>T, p.Lys735Ile (NM_001282543.2); c.908A>T, p.Lys303Ile (NM_001282545.2); c.851A>T, p.Lys284Ile (NM_001282548.2); c.722A>T, p.Lys241Ile (NM_001282549.2); short protein forms K241I, K284I, K303I, K735I, K754I.
Identifiers: ClinVar variation 4867395 (VCV004867395.1).